The following is an entry in ClinVar:

ClinVar aggregate classification (germline): Conflicting classifications of pathogenicity. Review status: criteria provided, conflicting classifications (1 of 4 stars). 9 submissions from 9 submitters: Uncertain significance (1); Benign (7); Likely benign (1). Last evaluated 2026-02-01.

Conditions:
Cardiovascular phenotype. Identifiers: MedGen CN230736.
Cardiomyopathy (CMYO). Also called: Cardiomyopathies. Identifiers: Orphanet 167848, MedGen C0878544, MONDO:0004994, HP:0001638. Inheritance: Various modes of inheritance.
Arrhythmogenic right ventricular dysplasia 11. Also called: ARRHYTHMOGENIC RIGHT VENTRICULAR DYSPLASIA, FAMILIAL, 11; Arrhythmogenic right ventricular dysplasia 11 with mild palmoplantar keratoderma and woolly hair; Arrhythmogenic Right Ventricular Dysplasia/Cardiomyopathy11. Identifiers: MedGen C1864850, MONDO:0012506, OMIM 610476.

Allele frequency attached by ClinVar (database versions not stated): gnomAD below 0.00001 and 0.00044; TOPMed 0.00008; gnomAD exomes 0.00084 and 0.00178; ExAC 0.00201; 1000 Genomes Project 0.00319.
gnomAD v4.1: 1,298 of 1,613,858 alleles (0.08%); highest among the groups gnomAD compares: South Asian, 1.3%; 18 homozygotes.

Submissions (9):

Labcorp Genetics (formerly Invitae), Labcorp
Classification: Benign for Arrhythmogenic right ventricular dysplasia 11. Last evaluated: 2026-02-01. Review status: criteria provided, single submitter. Criteria: Invitae Variant Classification Sherloc (09022015). Collection method: clinical testing. Allele origin: germline.

Blueprint Genetics
Classification: Likely benign. Last evaluated: 2024-10-23. Review status: criteria provided, single submitter. Criteria: ACMG Guidelines, 2015. Collection method: clinical testing. Allele origin: germline.

Color Diagnostics, LLC DBA Color Health
Classification: Benign for Cardiomyopathy. Last evaluated: 2018-03-09. Review status: criteria provided, single submitter. Criteria: ACMG Guidelines, 2015. Collection method: clinical testing. Allele origin: germline.

CHEO Genetics Diagnostic Laboratory, Children's Hospital of Eastern Ontario
Classification: Benign for Cardiomyopathy. Last evaluated: 2018-01-12. Review status: criteria provided, single submitter. Criteria: ACMG Guidelines, 2015. Collection method: clinical testing. Allele origin: germline.

Ambry Genetics
Classification: Benign for Cardiovascular phenotype. Last evaluated: 2017-12-26. Review status: criteria provided, single submitter. Criteria: Ambry Variant Classification Scheme 2023. Collection method: clinical testing. Allele origin: germline.

Illumina Laboratory Services, Illumina
Classification: Uncertain significance for Arrhythmogenic right ventricular dysplasia 11. Last evaluated: 2017-04-27. Review status: criteria provided, single submitter. Criteria: ICSL Variant Classification Criteria 13 December 2019. Collection method: clinical testing. Allele origin: germline.

Women's Health and Genetics/Laboratory Corporation of America, LabCorp
Classification: Benign. Last evaluated: 2017-03-27. Review status: criteria provided, single submitter. Criteria: LabCorp Variant Classification Summary - May 2015. Collection method: clinical testing. Allele origin: germline.
Comment: Variant summary: The DSC2 c.370C>T (p.His124Tyr) variant involves the alteration of a non-conserved nucleotide. 4/4 in silico tools predict a benign outcome for this variant (SNPs&GO not captured due to low reliability index). This variant was found in 240/119242 control chromosomes (1 homozygote), predominantly observed in the South Asian subpopulation at a frequency of 0.014417 (236/16370). This frequency is about 1442 times the estimated maximal expected allele frequency of a pathogenic DSC2 variant (0.00001), suggesting this is likely a benign polymorphism found primarily in the populations of South Asian origin. In addition, multiple clinical diagnostic laboratories/reputable databases classified this variant as benign. Taken together, this variant is classified as benign.

GeneDx
Classification: Benign. Last evaluated: 2015-05-19. Review status: criteria provided, single submitter. Criteria: GeneDx Variant Classification (06012015). Collection method: clinical testing. Allele origin: germline. Affected: yes.
Comment: This variant is considered likely benign or benign based on one or more of the following criteria: it is a conservative change, it occurs at a poorly conserved position in the protein, it is predicted to be benign by multiple in silico algorithms, and/or has population frequency not consistent with disease.

Laboratory for Molecular Medicine, Mass General Brigham Personalized Medicine
Classification: Benign. Last evaluated: 2015-04-01. Review status: criteria provided, single submitter. Criteria: LMM Criteria. Collection method: clinical testing. Allele origin: germline. Observed: 2 variant alleles.
Comment: p.His124Tyr in exon 4 of DSC2: This variant is not expected to have clinical sig nificance because it has been identified in 1.4% (236/16370) of South Asian chro mosomes by the Exome Aggregation Consortium (ExAC, g; dbSNP rs371443698).

NM_024422.6(DSC2):c.370C>T (p.His124Tyr)

Gene: DSC2 (desmocollin 2; minus strand). Cytogenetic location: 18q12.1.
Variant type: single nucleotide variant.
Coding change: c.370C>T on transcript NM_024422.6 (MANE Select); coding-DNA position 370, C replaced by T.
Protein change: p.His124Tyr; replaces histidine 124 with tyrosine.
Molecular consequence: missense variant.
Genome position (GRCh38, 1-based): chr18:31,091,132, G>A on the plus strand (C>T on the coding strand, the complement: DSC2 is on the minus strand). VCF-style: chr18-31091132-G-A. GRCh37 (hg19) VCF-style: chr18-28671095-G-A.
Other names: p.H124Y:CAT>TAT; c.370C>T, p.His124Tyr (NM_004949.5); short protein forms H124Y.
Identifiers: ClinVar variation 199781 (VCV000199781.27), dbSNP rs371443698, ClinGen allele CA022821.